The following is an entry in ClinVar:

ClinVar aggregate classification (germline): Uncertain significance. Review status: criteria provided, multiple submitters, no conflicts (2 of 4 stars). 2 submissions from 2 submitters: Uncertain significance (2). Last evaluated 2026-07-18.

Conditions:
Hereditary cancer-predisposing syndrome. Also called: Hereditary Cancer Syndrome; Hereditary neoplastic syndrome; Neoplastic Syndromes, Hereditary; Tumor predisposition. Identifiers: Orphanet 140162, MedGen C0027672, MeSH D009386, MONDO:0015356.
POLD1-related polyposis and colorectal cancer syndrome (CRCS10). Also called: Colorectal cancer 10; Colorectal cancer, susceptibility to, 10; COLORECTAL CANCER, SUSCEPTIBILITY TO, ON CHROMOSOME 19q. Identifiers: Orphanet 220460, MedGen C2675481, MONDO:0012953, OMIM 612591.

Allele frequency attached by ClinVar (database versions not stated): gnomAD exomes below 0.00001.
gnomAD v4.1: 1 of 1,573,544 alleles (0.000064%); highest among the groups gnomAD compares: East Asian, 0.0023%; no homozygotes.

Submissions (2):

Ambry Genetics
Classification: Uncertain significance for Hereditary cancer-predisposing syndrome. Last evaluated: 2026-07-18. Review status: criteria provided, single submitter. Criteria: Ambry Variant Classification Scheme 2023. Collection method: clinical testing. Allele origin: germline.
Comment: The p.M41I variant (also known as c.123G>A), located in coding exon 1 of the POLD1 gene, results from a G to A substitution at nucleotide position 123. The methionine at codon 41 is replaced by isoleucine, an amino acid with highly similar properties. This amino acid position is conserved. In addition, this alteration is predicted to be tolerated by in silico analysis. Based on the available evidence, the clinical significance of this variant remains unclear.

Labcorp Genetics (formerly Invitae), Labcorp
Classification: Uncertain significance for POLD1-related polyposis and colorectal cancer syndrome. Last evaluated: 2024-03-14. Review status: criteria provided, single submitter. Criteria: Invitae Variant Classification Sherloc (09022015). Collection method: clinical testing. Allele origin: germline.
Comment: This sequence change replaces methionine, which is neutral and non-polar, with isoleucine, which is neutral and non-polar, at codon 41 of the POLD1 protein (p.Met41Ile). This variant is not present in population databases (gnomAD no frequency). This variant has not been reported in the literature in individuals affected with POLD1-related conditions. An algorithm developed to predict the effect of missense changes on protein structure and function (PolyPhen-2) suggests that this variant is likely to be tolerated. In summary, the available evidence is currently insufficient to determine the role of this variant in disease. Therefore, it has been classified as a Variant of Uncertain Significance.

NM_002691.4(POLD1):c.123G>A (p.Met41Ile)

Gene: POLD1 (DNA polymerase delta 1, catalytic subunit; plus strand). Cytogenetic location: 19q13.33.
Variant type: single nucleotide variant.
Coding change: c.123G>A on transcript NM_002691.4 (MANE Select); coding-DNA position 123, G replaced by A.
Protein change: p.Met41Ile; replaces methionine 41 with isoleucine.
Molecular consequence: missense variant. On other transcripts: non-coding transcript variant (1).
Genome position (GRCh38, 1-based): chr19:50,398,974, G>A. VCF-style: chr19-50398974-G-A. GRCh37 (hg19) VCF-style: chr19-50902231-G-A.
Other names: c.123G>A, p.Met41Ile (NM_001256849.1, NM_001308632.1); c.123G>A (NM_002691.2); short protein forms M41I.
Identifiers: ClinVar variation 2866141 (VCV002866141.4), dbSNP rs1255892076, ClinGen allele CA406970186.